The following is an entry in ClinVar:

NM_001130823.3(DNMT1):c.890A>G (p.Lys297Arg)

Gene: DNMT1 (DNA methyltransferase 1; minus strand). Cytogenetic location: 19p13.2.
Variant type: single nucleotide variant.
Coding change: c.890A>G on transcript NM_001130823.3 (MANE Select); coding-DNA position 890, A replaced by G.
Protein change: p.Lys297Arg; replaces lysine 297 with arginine.
Molecular consequence: missense variant.
Genome position (GRCh38, 1-based): chr19:10,166,599, T>C on the plus strand (A>G on the coding strand, the complement: DNMT1 is on the minus strand). VCF-style: chr19-10166599-T-C. GRCh37 (hg19) VCF-style: chr19-10277275-T-C.
Other names: c.890A>G (NM_001130823.2, LRG_362t1); c.842A>G, p.Lys281Arg (NM_001318730.2, NM_001379.4); c.527A>G, p.Lys176Arg (NM_001318731.2); short protein forms K297R, K281R, K176R.
Identifiers: ClinVar variation 472284 (VCV000472284.19), dbSNP rs201025441, ClinGen allele CA9188552.

ClinVar aggregate classification (germline): Conflicting classifications of pathogenicity. Review status: criteria provided, conflicting classifications (1 of 4 stars). 4 submissions from 4 submitters: Uncertain significance (2); Likely benign (2). Last evaluated 2026-01-12.

Conditions:
DNMT1-related disorder. Also called: DNMT1-related condition. Identifiers: MedGen CN381527.
Inborn genetic diseases. Identifiers: MedGen C0950123, MeSH D030342.
Hereditary sensory neuropathy-deafness-dementia syndrome. Also called: Hereditary Sensory and Autonomic Neuropathy Type 1E (HSAN1E); HSN IE; Hereditary sensory neuropathy type IE; NEUROPATHY, HEREDITARY SENSORY, WITH HEARING LOSS AND DEMENTIA. Identifiers: Orphanet 456318, MedGen C3279885, MONDO:0013584, OMIM 614116.

Allele frequency attached by ClinVar (database versions not stated): gnomAD 0.00004; TOPMed 0.00007; ESP Exome Variant Server 0.00008; gnomAD exomes 0.00010 and 0.00013; ExAC 0.00016.
gnomAD v4.1: 163 of 1,614,034 alleles (0.01%); highest among the groups gnomAD compares: Admixed American, 0.018%; no homozygotes.

Submissions (5):

PreventionGenetics, part of Exact Sciences
Classification: Uncertain significance for DNMT1-related condition. Last evaluated: 2026-01-12. Review status: criteria provided, single submitter. Criteria: ACMG Guidelines, 2015. Collection method: clinical testing. Allele origin: germline.
Comment: The DNMT1 c.890A>G variant is predicted to result in the amino acid substitution p.Lys297Arg. To our knowledge, this variant has not been reported in the literature. This variant is reported in 0.025% of alleles in individuals of Latino descent in gnomAD. Although we suspect that this variant may be benign, at this time, the clinical significance of this variant is uncertain due to the absence of conclusive functional and genetic evidence.

Labcorp Genetics (formerly Invitae), Labcorp
Classification: Uncertain significance for Hereditary sensory neuropathy-deafness-dementia syndrome. Last evaluated: 2025-02-12. Review status: criteria provided, single submitter. Criteria: Invitae Variant Classification Sherloc (09022015). Collection method: clinical testing. Allele origin: germline.
Comment: This sequence change replaces lysine, which is basic and polar, with arginine, which is basic and polar, at codon 297 of the DNMT1 protein (p.Lys297Arg). This variant is present in population databases (rs201025441, gnomAD 0.02%). This variant has not been reported in the literature in individuals affected with DNMT1-related conditions. ClinVar contains an entry for this variant (Variation ID: 472284). An algorithm developed to predict the effect of missense changes on protein structure and function outputs the following: PolyPhen-2: "Benign". The arginine amino acid residue is found in multiple mammalian species, which suggests that this missense change does not adversely affect protein function. Algorithms developed to predict the effect of sequence changes on RNA splicing suggest that this variant may disrupt the consensus splice site. In summary, the available evidence is currently insufficient to determine the role of this variant in disease. Therefore, it has been classified as a Variant of Uncertain Significance.

GeneDx
Classification: Likely benign. Last evaluated: 2021-04-10. Review status: criteria provided, single submitter. Criteria: GeneDx Variant Classification Process June 2021. Collection method: clinical testing. Allele origin: germline. Affected: yes.

Ambry Genetics
Classification: Likely benign for Inborn genetic diseases. Last evaluated: 2020-12-10. Review status: criteria provided, single submitter. Criteria: Ambry Variant Classification Scheme 2023. Collection method: clinical testing. Allele origin: germline.

Dr. Peter K. Rogan Lab, Western University
No classification provided (evidence only). Condition: Ovarian serous cystadenocarcinoma. Review status: no classification provided. Collection method: in vitro. Allele origin: not applicable. Functional consequence: retained intron. Not counted in ClinVar's aggregate classification.